The following is an entry in ClinVar:

ClinVar aggregate classification (germline): Uncertain significance. Review status: criteria provided, multiple submitters, no conflicts (2 of 4 stars). 2 submissions from 2 submitters: Uncertain significance (2). Last evaluated 2026-07-07.

Conditions:
Hereditary cancer-predisposing syndrome. Also called: Hereditary Cancer Syndrome; Neoplastic Syndromes, Hereditary; Hereditary neoplastic syndrome; Tumor predisposition. Identifiers: Orphanet 140162, MedGen C0027672, MeSH D009386, MONDO:0015356.
Hereditary pheochromocytoma and paraganglioma. Also called: Hereditary pheochromocytoma-paraganglioma; Hereditary Paraganglioma-Pheochromocytoma Syndromes; Hereditary paragangliomas and pheochromocytomas. Identifiers: Orphanet 29072, MedGen C4274332, MONDO:0017366.

gnomAD v4.1: 2 of 1,520,976 alleles (0.00013%); highest among the groups gnomAD compares: Non-Finnish European, 0.00018%; no homozygotes.

Submissions (2):

Ambry Genetics
Classification: Uncertain significance for Hereditary cancer-predisposing syndrome. Last evaluated: 2026-07-07. Review status: criteria provided, single submitter. Criteria: Ambry Variant Classification Scheme 2023. Collection method: clinical testing. Allele origin: germline.
Comment: The p.G19R variant (also known as c.55G>A), located in coding exon 1 of the TMEM127 gene, results from a G to A substitution at nucleotide position 55. The glycine at codon 19 is replaced by arginine, an amino acid with dissimilar properties. This amino acid position is conserved. In addition, this alteration is predicted to be tolerated by in silico analysis. Based on the available evidence, the clinical significance of this variant remains unclear.

Labcorp Genetics (formerly Invitae), Labcorp
Classification: Uncertain significance for Hereditary pheochromocytoma and paraganglioma. Last evaluated: 2023-12-29. Review status: criteria provided, single submitter. Criteria: Invitae Variant Classification Sherloc (09022015). Collection method: clinical testing. Allele origin: germline.
Comment: This sequence change replaces glycine, which is neutral and non-polar, with arginine, which is basic and polar, at codon 19 of the TMEM127 protein (p.Gly19Arg). This variant is not present in population databases (gnomAD no frequency). This variant has not been reported in the literature in individuals affected with TMEM127-related conditions. ClinVar contains an entry for this variant (Variation ID: 1428698). Experimental studies and prediction algorithms are not available or were not evaluated, and the functional significance of this variant is currently unknown. In summary, the available evidence is currently insufficient to determine the role of this variant in disease. Therefore, it has been classified as a Variant of Uncertain Significance.

NM_017849.4(TMEM127):c.55G>A (p.Gly19Arg)

Genes: TMEM127 (transmembrane protein 127; minus strand), LOC129934333 (ATAC-STARR-seq lymphoblastoid silent region 11759; plus strand). Cytogenetic location: 2q11.2.
Variant type: single nucleotide variant.
Coding change: c.55G>A on transcript NM_017849.4 (MANE Select); coding-DNA position 55, G replaced by A.
Protein change: p.Gly19Arg; replaces glycine 19 with arginine.
Molecular consequence: missense variant.
Genome position (GRCh38, 1-based): chr2:96,265,327, C>T on the plus strand (G>A on the coding strand, the complement: TMEM127 is on the minus strand). VCF-style: chr2-96265327-C-T. GRCh37 (hg19) VCF-style: chr2-96931065-C-T.
Other names: c.55G>A, p.Gly19Arg (NM_001193304.3); c.55G>A (NM_017849.3); short protein forms G19R.
Identifiers: ClinVar variation 1428698 (VCV001428698.7), dbSNP rs774322340, ClinGen allele CA1777404.
Genomic context (GRCh38, chr2:96,265,327, plus strand): 5'-GGGCGCCAGGCAGGGCCGAGGCCAGGCTACGCTCCGGCTGCTTGGGCAGAGCGCTGCCTC[C>T]CGGGCTCCTCCGCCGGCGCCCGCCGGGCAGCCCTGCGCCTCCGGGGGCGTACATGCCCGG-3'
Protein context (NP_060319.1, residues 9-29): LPGGRRRRSP[Gly19Arg]GSALPKQPER